The following is an entry in ClinVar:

NM_000026.4(ADSL):c.736A>G (p.Lys246Glu)

Gene: ADSL (adenylosuccinate lyase; plus strand). Cytogenetic location: 22q13.1.
Variant type: single nucleotide variant.
Coding change: c.736A>G on transcript NM_000026.4 (MANE Select); coding-DNA position 736, A replaced by G.
Protein change: p.Lys246Glu; replaces lysine 246 with glutamic acid.
Molecular consequence: missense variant. On other transcripts: non-coding transcript variant (1).
Genome position (GRCh38, 1-based): chr22:40,360,436, A>G. VCF-style: chr22-40360436-A-G. GRCh37 (hg19) VCF-style: chr22-40756440-A-G.
Other names: c.736A>G (NM_000026.3); c.736A>G, p.Lys246Glu (NM_001123378.3, NM_001363840.3); c.544A>G, p.Lys182Glu (NM_001317923.2); short protein forms K246E, K182E.
Identifiers: ClinVar variation 2466 (VCV000002466.16), dbSNP rs119450944, ClinGen allele CA115569.

ClinVar aggregate classification (germline): Pathogenic/Likely pathogenic. Review status: criteria provided, multiple submitters, no conflicts (2 of 4 stars). 6 submissions from 6 submitters: Pathogenic (2); Likely pathogenic (2). 2 of the submissions do not count toward it. Last evaluated 2024-06-25.

Conditions:
ADSL-related disorder. Also called: ADSL-related condition.
Adenylosuccinate lyase deficiency (ADSLD). Also called: ADSL DEFICIENCY. Identifiers: Orphanet 46, MedGen C0268126, MONDO:0007068, OMIM 103050.

Allele frequency attached by ClinVar (database versions not stated): gnomAD exomes 0.00002 and 0.00005; TOPMed 0.00002; gnomAD 0.00003.
gnomAD v4.1: 79 of 1,613,854 alleles (0.0049%); highest among the groups gnomAD compares: Non-Finnish European, 0.0065%; no homozygotes.

Submissions (6):

Labcorp Genetics (formerly Invitae), Labcorp
Classification: Pathogenic for Adenylosuccinate lyase deficiency. Last evaluated: 2024-06-25. Review status: criteria provided, single submitter. Criteria: Invitae Variant Classification Sherloc (09022015). Collection method: clinical testing. Allele origin: germline.
Comment: This sequence change replaces lysine, which is basic and polar, with glutamic acid, which is acidic and polar, at codon 246 of the ADSL protein (p.Lys246Glu). This variant is present in population databases (rs119450944, gnomAD 0.006%). This missense change has been observed in individual(s) with adenylosuccinate lyase deficiency (PMID: 1405483, 10090474, 27504266). ClinVar contains an entry for this variant (Variation ID: 2466). Advanced modeling of protein sequence and biophysical properties (such as structural, functional, and spatial information, amino acid conservation, physicochemical variation, residue mobility, and thermodynamic stability) performed at Invitae indicates that this missense variant is expected to disrupt ADSL protein function with a positive predictive value of 80%. Experimental studies have shown that this missense change affects ADSL function (PMID: 19405474). For these reasons, this variant has been classified as Pathogenic.

GeneDx
Classification: Likely pathogenic. Last evaluated: 2023-08-28. Review status: criteria provided, single submitter. Criteria: GeneDx Variant Classification Process June 2021. Collection method: clinical testing. Allele origin: germline.
Comment: Published functional studies demonstrate a damaging effect as this variant reduces ADSL enzyme activity (PMID: 19405474); Not observed at significant frequency in large population cohorts (gnomAD); In silico analysis supports that this missense variant has a deleterious effect on protein structure/function; This variant is associated with the following publications: (PMID: 1405483, 27504266, 21210713, 10888601, 23055421, 10090474, 31440721, 36338215, 19405474)

Revvity Omics, Revvity
Classification: Likely pathogenic for Adenylosuccinate lyase deficiency. Last evaluated: 2021-04-23. Review status: criteria provided, single submitter. Criteria: ACMG Guidelines, 2015. Collection method: clinical testing. Allele origin: germline.

Blueprint Genetics
Classification: Pathogenic for ADSL-related disorders. Last evaluated: 2020-08-12. Review status: criteria provided, single submitter. Criteria: ACMG Guidelines, 2015. Collection method: clinical testing. Allele origin: germline. Affected: yes. Observed: 1 variant allele.

PreventionGenetics, part of Exact Sciences
Classification: Pathogenic for ADSL-related condition. Last evaluated: 2024-09-28. Review status: no assertion criteria provided. Collection method: clinical testing. Allele origin: germline. Not counted in ClinVar's aggregate classification.
Comment: The ADSL c.736A>G variant is predicted to result in the amino acid substitution p.Lys246Glu. This variant was reported in the compound heterozygous state in three patients with adenylosuccinate lyase deficiency (Marie. 1999. PubMed ID: 10090474; Donti. 2016. PubMed ID: 27504266). Functional in vitro assays demonstrated this variant impairs enzyme kinetics and the ability to properly form a tetramer (Ariyananda. 2009. PubMed ID: 19405474). This variant is reported in 0.0054% of alleles in individuals of European (Non-Finnish) descent in gnomAD. This variant is interpreted as pathogenic.

OMIM
Classification: Pathogenic for ADENYLOSUCCINASE DEFICIENCY. Last evaluated: 1999-01-01. Review status: no assertion criteria provided. Collection method: literature only. Allele origin: germline. Not counted in ClinVar's aggregate classification.

Literature cited by the submitters: PubMed 1405483 (cited by Labcorp Genetics (formerly Invitae), Labcorp); PubMed 10090474 (cited by Labcorp Genetics (formerly Invitae), Labcorp and OMIM); PubMed 27504266 (cited by Labcorp Genetics (formerly Invitae), Labcorp); PubMed 19405474 (cited by Labcorp Genetics (formerly Invitae), Labcorp).